The following is an entry in ClinVar:

NM_001353345.2(SETD1B):c.1015G>C (p.Val339Leu)

Gene: SETD1B (SET domain containing 1B, histone lysine methyltransferase; plus strand). Cytogenetic location: 12q24.31.
Variant type: single nucleotide variant.
Coding change: c.1015G>C on transcript NM_001353345.2 (MANE Select); coding-DNA position 1015, G replaced by C.
Protein change: p.Val339Leu; replaces valine 339 with leucine.
Molecular consequence: missense variant.
Genome position (GRCh38, 1-based): chr12:121,809,960, G>C. VCF-style: chr12-121809960-G-C. GRCh37 (hg19) VCF-style: chr12-122247866-G-C.
Other names: NM_015048.1:c.1015G>C; short protein forms V339L.
Identifiers: ClinVar variation 3160602 (VCV003160602.6), dbSNP rs781420489, ClinGen allele CA6838818.

ClinVar aggregate classification (germline): Conflicting classifications of pathogenicity. Review status: criteria provided, conflicting classifications (1 of 4 stars). 2 submissions from 2 submitters: Uncertain significance (1); Likely benign (1). Last evaluated 2025-12-01.

Conditions:
Inborn genetic diseases. Identifiers: MedGen C0950123, MeSH D030342.

Allele frequency attached by ClinVar (database versions not stated): gnomAD 0.00003; gnomAD exomes 0.00004; TOPMed 0.00004; ExAC 0.00018.
gnomAD v4.1: 55 of 1,551,034 alleles (0.0035%); highest among the groups gnomAD compares: Middle Eastern, 0.083%; no homozygotes.

Submissions (2):

CeGaT Center for Human Genetics Tuebingen
Classification: Likely benign. Last evaluated: 2025-12-01. Review status: criteria provided, single submitter. Criteria: CeGaT Center For Human Genetics Tuebingen Variant Classification Criteria Version 2. Collection method: clinical testing. Allele origin: germline. Affected: yes. Observed: 1 variant allele.
Comment: SETD1B: BS2

Ambry Genetics
Classification: Uncertain significance for Inborn genetic diseases. Last evaluated: 2022-04-20. Review status: criteria provided, single submitter. Criteria: Ambry Variant Classification Scheme 2023. Collection method: clinical testing. Allele origin: germline.